The following is an entry in ClinVar:

ClinVar aggregate classification (germline): Likely benign. Review status: reviewed by expert panel (3 of 4 stars). 4 submissions from 4 submitters: Likely benign (1). 3 of the submissions do not count toward it. Last evaluated 2017-06-29.

Conditions:
Hereditary cancer-predisposing syndrome. Also called: Tumor predisposition; Hereditary Cancer Syndrome; Hereditary neoplastic syndrome; Neoplastic Syndromes, Hereditary. Identifiers: Orphanet 140162, MedGen C0027672, MeSH D009386, MONDO:0015356.
Hereditary breast ovarian cancer syndrome. Also called: Hereditary breast and ovarian cancer; Breast and ovarian cancer; BRCA1- and BRCA2-Associated Hereditary Breast and Ovarian Cancer; Hereditary breast and ovarian cancer syndrome; Hereditary breast and ovarian cancer syndrome (HBOC); Hereditary breast and/or ovarian cancer syndrome. Identifiers: Orphanet 145, MedGen C0677776, MeSH D061325, MONDO:0003582. Disease mechanism: loss of function.
Breast-ovarian cancer, familial, susceptibility to, 2 (BROVCA2). Also called: BRCA2 Hereditary Breast and Ovarian Cancer. Identifiers: Orphanet 145, MedGen C2675520, MONDO:0012933, OMIM 612555. Disease mechanism: loss of function.

Allele frequency attached by ClinVar (database versions not stated): gnomAD exomes below 0.00001.
gnomAD v4.1: 4 of 1,605,102 alleles (0.00025%); highest among the groups gnomAD compares: East Asian, 0.0022%; no homozygotes.

Submissions (4):

Evidence-based Network for the Interpretation of Germline Mutant Alleles (ENIGMA)
Classification: Likely benign for Breast-ovarian cancer, familial, susceptibility to, 2. Last evaluated: 2017-06-29. Review status: reviewed by expert panel. Criteria: ENIGMA BRCA1/2 Classification Criteria (2017-06-29). Collection method: curation. Allele origin: germline.
Comment: Synonymous substitution variant, with low bioinformatic likelihood to result in a splicing aberration (Splicing prior probability 0.02).

Labcorp Genetics (formerly Invitae), Labcorp
Classification: Likely benign for Hereditary breast ovarian cancer syndrome. Last evaluated: 2025-07-16. Review status: criteria provided, single submitter. Criteria: Invitae Variant Classification Sherloc (09022015). Collection method: clinical testing. Allele origin: germline. Not counted in ClinVar's aggregate classification.

Ambry Genetics
Classification: Likely benign for Hereditary cancer-predisposing syndrome. Last evaluated: 2022-05-14. Review status: criteria provided, single submitter. Criteria: Ambry Variant Classification Scheme 2023. Collection method: clinical testing. Allele origin: germline. Not counted in ClinVar's aggregate classification.

Color Diagnostics, LLC DBA Color Health
Classification: Likely benign for Hereditary cancer-predisposing syndrome. Last evaluated: 2017-01-23. Review status: criteria provided, single submitter. Criteria: ACMG Guidelines, 2015. Collection method: clinical testing. Allele origin: germline. Not counted in ClinVar's aggregate classification.

NM_000059.4(BRCA2):c.1800T>C (p.Tyr600=)

Gene: BRCA2 (BRCA2 DNA repair associated; plus strand). Cytogenetic location: 13q13.1.
Variant type: single nucleotide variant.
Coding change: c.1800T>C on transcript NM_000059.4 (MANE Select); coding-DNA position 1800, T replaced by C.
Protein change: p.Tyr600=; no amino-acid change (tyrosine 600 retained).
Molecular consequence: synonymous variant.
Genome position (GRCh38, 1-based): chr13:32,333,278, T>C. VCF-style: chr13-32333278-T-C. GRCh37 (hg19) VCF-style: chr13-32907415-T-C.
Identifiers: ClinVar variation 236832 (VCV000236832.15), dbSNP rs80358464, ClinGen allele CA10583074.
Genomic context (GRCh38, chr13:32,333,278, plus strand): 5'-ATCCACTTTGAAAAAGAAAACAAATAAGTTTATTTATGCTATACATGATGAAACATCTTA[T>C]AAAGGAAAAAAAATACCGAAAGACCAAAAATCAGAACTAATTAACTGTTCAGCCCAGTTT-3'
Protein context (NP_000050.3, residues 590-610): FIYAIHDETS[Tyr600=]KGKKIPKDQK